The following is an entry in ClinVar:

NM_022464.5(SIL1):c.815A>G (p.Lys272Arg)

Gene: SIL1 (SIL1 nucleotide exchange factor; minus strand). Cytogenetic location: 5q31.2.
Variant type: single nucleotide variant.
Coding change: c.815A>G on transcript NM_022464.5 (MANE Select); coding-DNA position 815, A replaced by G.
Protein change: p.Lys272Arg; replaces lysine 272 with arginine.
Molecular consequence: missense variant.
Genome position (GRCh38, 1-based): chr5:138,951,837, T>C on the plus strand (A>G on the coding strand, the complement: SIL1 is on the minus strand). VCF-style: chr5-138951837-T-C. GRCh37 (hg19) VCF-style: chr5-138287526-T-C.
Other names: c.815A>G, p.Lys272Arg (NM_001037633.2); short protein forms K272R.
Identifiers: ClinVar variation 2089827 (VCV002089827.4), dbSNP rs2534020791, ClinGen allele CA361137880.

ClinVar aggregate classification (germline): Uncertain significance (1 of 4 stars; one submission).

Conditions:
Marinesco-Sjögren syndrome (MSS). Also called: Marinesco-SjÃ¶gren syndrome; Marinesco-Sjogren Syndrome. Identifiers: Orphanet 559, MedGen C0024814, MONDO:0009567, OMIM 248800.

Submission:

Labcorp Genetics (formerly Invitae), Labcorp
Classification: Uncertain significance for Marinesco-Sjögren syndrome. Last evaluated: 2022-01-26. Review status: criteria provided, single submitter. Criteria: Invitae Variant Classification Sherloc (09022015). Collection method: clinical testing. Allele origin: germline.
Comment: In summary, the available evidence is currently insufficient to determine the role of this variant in disease. Therefore, it has been classified as a Variant of Uncertain Significance. Algorithms developed to predict the effect of missense changes on protein structure and function are either unavailable or do not agree on the potential impact of this missense change (SIFT: "Tolerated"; PolyPhen-2: "Possibly Damaging"; Align-GVGD: "Class C0"). This variant has not been reported in the literature in individuals affected with SIL1-related conditions. This variant is not present in population databases (gnomAD no frequency). This sequence change replaces lysine, which is basic and polar, with arginine, which is basic and polar, at codon 272 of the SIL1 protein (p.Lys272Arg).